The following is an entry in ClinVar:

ClinVar aggregate classification (germline): Likely pathogenic (1 of 4 stars; one submission).

Conditions:
Amyloidosis, hereditary systemic 1 (AMYLD1). Also called: Familial amyloid polyneuropathy; Transthyretin Amyloidosis; Hereditary oculoleptomeningeal amyloid angiopathy; Familial Transthyretin Amyloidosis; Isolated Cardiac Amyloidosis; Amyloid Cardiomyopathy, Transthyretin-related. Identifiers: Orphanet 85447, Orphanet 85451, MedGen C2751492, MONDO:0971004, OMIM 105210.

Submission:

Labcorp Genetics (formerly Invitae), Labcorp
Classification: Likely pathogenic for Amyloidosis, hereditary systemic 1. Last evaluated: 2025-01-27. Review status: criteria provided, single submitter. Criteria: Invitae Variant Classification Sherloc (09022015). Collection method: clinical testing. Allele origin: germline.
Comment: This sequence change replaces isoleucine, which is neutral and non-polar, with methionine, which is neutral and non-polar, at codon 88 of the TTR protein (p.Ile88Met). This variant is not present in population databases (gnomAD no frequency). This variant has not been reported in the literature in individuals affected with TTR-related conditions. Invitae Evidence Modeling of protein sequence and biophysical properties (such as structural, functional, and spatial information, amino acid conservation, physicochemical variation, residue mobility, and thermodynamic stability) indicates that this missense variant is expected to disrupt TTR protein function with a positive predictive value of 95%. This variant disrupts the p.Ile88 amino acid residue in TTR. Other variant(s) that disrupt this residue have been determined to be pathogenic (PMID: 1786038, 22745357, 26428663, 26537620). This suggests that this residue is clinically significant, and that variants that disrupt this residue are likely to be disease-causing. In summary, the currently available evidence indicates that the variant is pathogenic, but additional data are needed to prove that conclusively. Therefore, this variant has been classified as Likely Pathogenic.

Literature cited by the submitters: PubMed 1786038; PubMed 22745357; PubMed 26428663; PubMed 26537620.

NM_000371.4(TTR):c.264A>G (p.Ile88Met)

Gene: TTR (transthyretin; plus strand). Cytogenetic location: 18q12.1.
Variant type: single nucleotide variant.
Coding change: c.264A>G on transcript NM_000371.4 (MANE Select); coding-DNA position 264, A replaced by G.
Protein change: p.Ile88Met; replaces isoleucine 88 with methionine.
Molecular consequence: missense variant.
Genome position (GRCh38, 1-based): chr18:31,595,183, A>G. VCF-style: chr18-31595183-A-G. GRCh37 (hg19) VCF-style: chr18-29175146-A-G.
Other names: short protein forms I88M.
Identifiers: ClinVar variation 3664844 (VCV003664844.2).